The following is an entry in ClinVar:

ClinVar aggregate classification (germline): Likely benign. Review status: criteria provided, multiple submitters, no conflicts (2 of 4 stars). 2 submissions from 2 submitters: Likely benign (2). Last evaluated 2018-06-14.

Allele frequency attached by ClinVar (database versions not stated): TOPMed 0.04246; gnomAD exomes 0.04625; gnomAD 0.04185 and 0.04339; 1000 Genomes Project 30x 0.02467; 1000 Genomes Project 0.02476.

Submissions (2):

GeneDx
Classification: Likely benign. Last evaluated: 2018-06-14. Review status: criteria provided, single submitter. Criteria: GeneDx Variant Classification (06012015). Collection method: clinical testing. Allele origin: germline. Affected: yes.
Comment: This variant is considered likely benign or benign based on one or more of the following criteria: it is a conservative change, it occurs at a poorly conserved position in the protein, it is predicted to be benign by multiple in silico algorithms, and/or has population frequency not consistent with disease.

Breakthrough Genomics
Classification: Likely benign. Review status: criteria provided, single submitter. Criteria: ACMG Guidelines, 2015. Collection method: not provided. Allele origin: germline. Inheritance: Autosomal recessive inheritance. Affected: yes.

NM_004373.3(COX6A1):c.-155T>C

Gene: COX6A1 (cytochrome c oxidase subunit 6A1; plus strand). Cytogenetic location: 12q24.31.
Variant type: single nucleotide variant.
Coding change: c.-155T>C on transcript NM_004373.3; 155 bases upstream of the start codon, T replaced by C.
Genome position (GRCh38, 1-based): chr12:120,437,972, T>C. VCF-style: chr12-120437972-T-C. GRCh37 (hg19) VCF-style: chr12-120875775-T-C.
Identifiers: ClinVar variation 676664 (VCV000676664.4), dbSNP rs12322142, ClinGen allele CA244444651.
Genomic context (GRCh38, chr12:120,437,972, plus strand): 5'-ACGGTAAAGCCTGAAGGGAGGTGCAGAGCGCATGCTCTCTCTTGCCCGAGATGCCGAGGA[T>C]TTTGACAAGGACTCCGTCGTCCCGGATGATAGTGCTCAGGTTAATGCCAGTGGGAGGGCG-3'